The following is an entry in ClinVar:

NM_004484.4(GPC3):c.505G>A (p.Glu169Lys)

Gene: GPC3 (glypican 3; minus strand). Cytogenetic location: Xq26.2.
Variant type: single nucleotide variant.
Coding change: c.505G>A on transcript NM_004484.4 (MANE Select); coding-DNA position 505, G replaced by A.
Protein change: p.Glu169Lys; replaces glutamic acid 169 with lysine.
Molecular consequence: missense variant.
Genome position (GRCh38, 1-based): chrX:133,754,009, C>T on the plus strand (G>A on the coding strand, the complement: GPC3 is on the minus strand). VCF-style: chrX-133754009-C-T. GRCh37 (hg19) VCF-style: chrX-132888036-C-T.
Other names: c.505G>A, p.Glu169Lys (NM_001164617.2); c.457G>A, p.Glu153Lys (NM_001164618.2); c.343G>A, p.Glu115Lys (NM_001164619.2); short protein forms E153K, E169K, E115K.
Identifiers: ClinVar variation 861597 (VCV000861597.12), dbSNP rs2071700502, ClinGen allele CA414706476.

ClinVar aggregate classification (germline): Uncertain significance (1 of 4 stars; one submission).

Conditions:
Wilms tumor 1 (WT1). Also called: Wilms tumor, somatic. Identifiers: Orphanet 654, MedGen CN033288, MONDO:0008679, OMIM 194070.

Submission:

Labcorp Genetics (formerly Invitae), Labcorp
Classification: Uncertain significance for Wilms tumor 1. Last evaluated: 2019-12-16. Review status: criteria provided, single submitter. Criteria: Invitae Variant Classification Sherloc (09022015). Collection method: clinical testing. Allele origin: germline.
Comment: In summary, the available evidence is currently insufficient to determine the role of this variant in disease. Therefore, it has been classified as a Variant of Uncertain Significance. Algorithms developed to predict the effect of missense changes on protein structure and function (SIFT, PolyPhen-2, Align-GVGD) all suggest that this variant is likely to be tolerated, but these predictions have not been confirmed by published functional studies and their clinical significance is uncertain. This variant has not been reported in the literature in individuals with GPC3-related conditions. This variant is not present in population databases (ExAC no frequency). This sequence change replaces glutamic acid with lysine at codon 169 of the GPC3 protein (p.Glu169Lys). The glutamic acid residue is moderately conserved and there is a small physicochemical difference between glutamic acid and lysine.